The following is an entry in ClinVar:

NM_001099274.3(TINF2):c.1075del (p.Cys359fs)

Gene: TINF2 (TERF1 interacting nuclear factor 2; minus strand). Cytogenetic location: 14q12.
Variant type: Deletion.
Coding change: c.1075del on transcript NM_001099274.3 (MANE Select); coding-DNA position 1075, one base deleted (T; older notation c.1075delT).
Protein change: p.Cys359fs; shifts the reading frame from cysteine 359.
Molecular consequence: frameshift variant. On other transcripts: 3 prime UTR variant (1).
Genome position (GRCh38, 1-based): chr14:24,240,317, A deleted on the plus strand (T on the coding strand, the reverse complement: TINF2 is on the minus strand); the first of 2 consecutive A bases (chr14:24,240,317-24,240,318); deleting either gives the same sequence. VCF-style (leftmost placement, unchanged base first): chr14-24240316-CA-C. GRCh37 (hg19) VCF-style: chr14-24709522-CA-C.
Other names: c.970del, p.Cys324fs (NM_001363668.2); c.*98del (NM_012461.3); short protein forms C324fs, C359fs.
Identifiers: ClinVar variation 2064034 (VCV002064034.4), dbSNP rs762161476, ClinGen allele CA7130504.

ClinVar aggregate classification (germline): Uncertain significance (1 of 4 stars; one submission).

Conditions:
Dyskeratosis congenita. Identifiers: Orphanet 1775, MedGen C0265965, MONDO:0015780.

Submission:

Labcorp Genetics (formerly Invitae), Labcorp
Classification: Uncertain significance for Dyskeratosis congenita. Last evaluated: 2022-02-09. Review status: criteria provided, single submitter. Criteria: Invitae Variant Classification Sherloc (09022015). Collection method: clinical testing. Allele origin: germline.
Comment: This sequence change creates a premature translational stop signal (p.Cys359Alafs*6) in the TINF2 gene. It is expected to result in an absent or disrupted protein product. However, the current clinical and genetic evidence is not sufficient to establish whether loss-of-function variants in TINF2 cause disease. This variant is present in population databases (rs762161476, gnomAD 0.0009%). This variant has not been reported in the literature in individuals affected with TINF2-related conditions. Experimental studies and prediction algorithms are not available or were not evaluated, and the functional significance of this variant is currently unknown. In summary, the available evidence is currently insufficient to determine the role of this variant in disease. Therefore, it has been classified as a Variant of Uncertain Significance.